The following is an entry in ClinVar:

NM_004415.4(DSP):c.6905T>C (p.Val2302Ala)

Gene: DSP (desmoplakin; plus strand). Cytogenetic location: 6p24.3.
Variant type: single nucleotide variant.
Coding change: c.6905T>C on transcript NM_004415.4 (MANE Select); coding-DNA position 6905, T replaced by C.
Protein change: p.Val2302Ala; replaces valine 2302 with alanine.
Molecular consequence: missense variant.
Genome position (GRCh38, 1-based): chr6:7,584,167, T>C. VCF-style: chr6-7584167-T-C. GRCh37 (hg19) VCF-style: chr6-7584400-T-C.
Other names: c.5108T>C, p.Val1703Ala (NM_001008844.3); c.5576T>C, p.Val1859Ala (NM_001319034.2); short protein forms V1703A, V1859A, V2302A.
Identifiers: ClinVar variation 4070791 (VCV004070791.2).
Genomic context (GRCh38, chr6:7,584,167, plus strand): 5'-TAGTCCGACCTGGTACTGCTCTGGAGTTGCTGGAAGCCCAAGCAGCTACTGGCTTTATAG[T>C]GGATCCTGTTAGCAACTTGAGGTTACCAGTGGAGGAAGCCTACAAGAGAGGTCTGGTGGG-3'
Protein context (NP_004406.2, residues 2292-2312): LEAQAATGFI[Val2302Ala]DPVSNLRLPV

ClinVar aggregate classification (germline): Uncertain significance. Review status: criteria provided, multiple submitters, no conflicts (2 of 4 stars). 2 submissions from 2 submitters: Uncertain significance (2). Last evaluated 2025-01-16.

gnomAD v4.1: 1 of 1,614,054 alleles (0.000062%); no homozygotes.

Submissions (2):

GeneDx
Classification: Uncertain significance. Last evaluated: 2025-01-16. Review status: criteria provided, single submitter. Criteria: GeneDx Variant Classification Process June 2021. Collection method: clinical testing. Allele origin: germline. Affected: yes.
Comment: Not observed at significant frequency in large population cohorts (gnomAD); In silico analysis supports that this missense variant has a deleterious effect on protein structure/function; Has not been previously published as pathogenic or benign to our knowledge

Blueprint Genetics
Classification: Uncertain significance. Last evaluated: 2020-04-06. Review status: criteria provided, single submitter. Criteria: ACMG Guidelines, 2015. Collection method: clinical testing. Allele origin: germline.